The following is an entry in ClinVar:

NM_002692.4(POLE2):c.1400A>C (p.Tyr467Ser)

Gene: POLE2 (DNA polymerase epsilon 2, accessory subunit; minus strand). Cytogenetic location: 14q21.3.
Variant type: single nucleotide variant.
Coding change: c.1400A>C on transcript NM_002692.4 (MANE Select); coding-DNA position 1400, A replaced by C.
Protein change: p.Tyr467Ser; replaces tyrosine 467 with serine.
Molecular consequence: missense variant.
Genome position (GRCh38, 1-based): chr14:49,650,362, T>G on the plus strand (A>C on the coding strand, the complement: POLE2 is on the minus strand). VCF-style: chr14-49650362-T-G. GRCh37 (hg19) VCF-style: chr14-50117080-T-G.
Other names: c.1322A>C, p.Tyr441Ser (NM_001197330.2); c.1400A>C, p.Tyr467Ser (NM_001197331.3); c.1397A>C, p.Tyr466Ser (NM_001348384.2); c.1169A>C, p.Tyr390Ser (NM_001348385.2); short protein forms Y441S, Y466S, Y390S, Y467S.
Identifiers: ClinVar variation 2849188 (VCV002849188.3), dbSNP rs539010611, ClinGen allele CA389636738.

ClinVar aggregate classification (germline): Uncertain significance (1 of 4 stars; one submission).

Submission:

Labcorp Genetics (formerly Invitae), Labcorp
Classification: Uncertain significance. Last evaluated: 2023-03-24. Review status: criteria provided, single submitter. Criteria: Invitae Variant Classification Sherloc (09022015). Collection method: clinical testing. Allele origin: germline.
Comment: This sequence change replaces tyrosine, which is neutral and polar, with serine, which is neutral and polar, at codon 467 of the POLE2 protein (p.Tyr467Ser). This variant is not present in population databases (gnomAD no frequency). This variant has not been reported in the literature in individuals affected with POLE2-related conditions. An algorithm developed to predict the effect of missense changes on protein structure and function (PolyPhen-2) suggests that this variant is likely to be tolerated. In summary, the available evidence is currently insufficient to determine the role of this variant in disease. Therefore, it has been classified as a Variant of Uncertain Significance.